The following is an entry in ClinVar:

ClinVar aggregate classification (germline): Benign/Likely benign. Review status: criteria provided, multiple submitters, no conflicts (2 of 4 stars). 9 submissions from 9 submitters: Benign (6); Likely benign (3). Last evaluated 2026-01-12.

Conditions:
KMT2D-related disorder. Also called: KMT2D-Related Disorders.
Kabuki syndrome. Also called: NIIKAWA-KUROKI SYNDROME; Kabuki make-up syndrome. Identifiers: Orphanet 2322, MedGen C0796004, MONDO:0016512.

Allele frequency attached by ClinVar (database versions not stated): gnomAD exomes 0.00051 and 0.00019; ExAC 0.00075; gnomAD 0.00192 and 0.00195; TOPMed 0.00229; 1000 Genomes Project 0.00240; 1000 Genomes Project 30x 0.00250; ESP Exome Variant Server 0.00274.
gnomAD v4.1: 596 of 1,614,000 alleles (0.037%); highest among the groups gnomAD compares: African/African-American, 0.67%; 2 homozygotes.

Submissions (9):

Labcorp Genetics (formerly Invitae), Labcorp
Classification: Benign for Kabuki syndrome. Last evaluated: 2026-01-12. Review status: criteria provided, single submitter. Criteria: Invitae Variant Classification Sherloc (09022015). Collection method: clinical testing. Allele origin: germline.

CeGaT Center for Human Genetics Tuebingen
Classification: Likely benign. Last evaluated: 2025-11-01. Review status: criteria provided, single submitter. Criteria: CeGaT Center For Human Genetics Tuebingen Variant Classification Criteria Version 2. Collection method: clinical testing. Allele origin: germline. Affected: yes. Observed: 1 variant allele.
Comment: KMT2D: BP4, BP7

PreventionGenetics, part of Exact Sciences
Classification: Benign for KMT2D-related condition. Last evaluated: 2024-12-30. Review status: criteria provided, single submitter. Criteria: ACMG Guidelines, 2015. Collection method: clinical testing. Allele origin: germline.
Comment: This variant is classified as benign based on ACMG/AMP sequence variant interpretation guidelines (Richards et al. 2015 PMID: 25741868, with internal and published modifications).

Blueprint Genetics
Classification: Likely benign. Last evaluated: 2024-11-11. Review status: criteria provided, single submitter. Criteria: ACMG Guidelines, 2015. Collection method: clinical testing. Allele origin: germline.

GeneDx
Classification: Benign. Last evaluated: 2019-05-15. Review status: criteria provided, single submitter. Criteria: GeneDx Variant Classification Process June 2021. Collection method: clinical testing. Allele origin: germline. Affected: yes.

Genetic Services Laboratory, University of Chicago
Classification: Benign. Last evaluated: 2019-04-24. Review status: criteria provided, single submitter. Criteria: ACMG Guidelines, 2015. Collection method: clinical testing. Allele origin: germline. Affected: no.

Athena Diagnostics
Classification: Benign. Last evaluated: 2017-04-25. Review status: criteria provided, single submitter. Criteria: Athena Diagnostics Criteria. Collection method: clinical testing. Allele origin: germline.

Eurofins Ntd Llc (ga)
Classification: Benign. Last evaluated: 2016-10-25. Review status: criteria provided, single submitter. Criteria: EGL Classification Definitions 2015. Collection method: clinical testing. Allele origin: germline. Observed: 1 variant allele, 1 heterozygote.

Breakthrough Genomics
Classification: Likely benign. Review status: criteria provided, single submitter. Criteria: ACMG Guidelines, 2015. Collection method: not provided. Allele origin: germline. Inheritance: Autosomal dominant inheritance. Affected: yes.

NM_003482.4(KMT2D):c.5220C>T (p.Ala1740=)

Gene: KMT2D (lysine methyltransferase 2D; minus strand). Cytogenetic location: 12q13.12.
Variant type: single nucleotide variant.
Coding change: c.5220C>T on transcript NM_003482.4 (MANE Select); coding-DNA position 5220, C replaced by T.
Protein change: p.Ala1740=; no amino-acid change (alanine 1740 retained).
Molecular consequence: synonymous variant.
Genome position (GRCh38, 1-based): chr12:49,043,967, G>A on the plus strand (C>T on the coding strand, the complement: KMT2D is on the minus strand). VCF-style: chr12-49043967-G-A. GRCh37 (hg19) VCF-style: chr12-49437750-G-A.
Identifiers: ClinVar variation 259060 (VCV000259060.30), dbSNP rs200369026, ClinGen allele CA6547584.